The following is an entry in ClinVar:

NM_182643.3(DLC1):c.3617A>G (p.Tyr1206Cys)

Gene: DLC1 (DLC1 Rho GTPase activating protein; minus strand). Cytogenetic location: 8p22.
Variant type: single nucleotide variant.
Coding change: c.3617A>G on transcript NM_182643.3 (MANE Select); coding-DNA position 3617, A replaced by G.
Protein change: p.Tyr1206Cys; replaces tyrosine 1206 with cysteine.
Molecular consequence: missense variant.
Genome position (GRCh38, 1-based): chr8:13,092,735, T>C on the plus strand (A>G on the coding strand, the complement: DLC1 is on the minus strand). VCF-style: chr8-13092735-T-C. GRCh37 (hg19) VCF-style: chr8-12950244-T-C.
Other names: c.3617A>G, p.Tyr1206Cys (NM_001413124.1, NM_001348081.2); c.2084A>G, p.Tyr695Cys (NM_001413126.1, NM_001413127.1, NM_001413128.1 and 6 more transcripts); c.2408A>G, p.Tyr803Cys (NM_001413129.1, NM_001316668.2); c.2399A>G, p.Tyr800Cys (NM_001413130.1); c.2057A>G, p.Tyr686Cys (NM_001413131.1, NM_001413137.1); c.2543A>G, p.Tyr848Cys (NM_001413132.1); c.2306A>G, p.Tyr769Cys (NM_001413135.1, NM_001413136.1, NM_001413139.1 and 1 more transcripts); c.2441A>G, p.Tyr814Cys (NM_001413140.1); short protein forms Y769C, Y814C, Y800C, Y803C, Y848C, Y1206C, Y686C, Y695C.
Identifiers: ClinVar variation 2863595 (VCV002863595.3), dbSNP rs937480057, ClinGen allele CA172186441.
Genomic context (GRCh38, chr8:13,092,735, plus strand): 5'-GCCAGGTTGGTTGGGGTCATCTGGTTTTCTTTTACGGCTGCTGTGACATCGCTCAGGAAA[T>C]AAAGCAGGGTCTGCAGAACCTCCCGGTTCTCGTCAGGCAGCAGCATGATGGCAGCCTTGA-3'
Protein context (NP_872584.2, residues 1196-1216): ENREVLQTLL[Tyr1206Cys]FLSDVTAAVK

ClinVar aggregate classification (germline): Uncertain significance (1 of 4 stars; one submission).

Allele frequency attached by ClinVar (database versions not stated): gnomAD exomes below 0.00001.
gnomAD v4.1: 4 of 1,614,076 alleles (0.00025%); highest among the groups gnomAD compares: African/African-American, 0.004%; no homozygotes.

Submission:

Labcorp Genetics (formerly Invitae), Labcorp
Classification: Uncertain significance. Last evaluated: 2024-01-08. Review status: criteria provided, single submitter. Criteria: Invitae Variant Classification Sherloc (09022015). Collection method: clinical testing. Allele origin: germline.
Comment: This sequence change replaces tyrosine, which is neutral and polar, with cysteine, which is neutral and slightly polar, at codon 1206 of the DLC1 protein (p.Tyr1206Cys). This variant is not present in population databases (gnomAD no frequency). This variant has not been reported in the literature in individuals affected with DLC1-related conditions. An algorithm developed to predict the effect of missense changes on protein structure and function (PolyPhen-2) suggests that this variant is likely to be tolerated. In summary, the available evidence is currently insufficient to determine the role of this variant in disease. Therefore, it has been classified as a Variant of Uncertain Significance.